The following is an entry in ClinVar:

ClinVar aggregate classification (germline): Uncertain significance. Review status: criteria provided, multiple submitters, no conflicts (2 of 4 stars). 2 submissions from 2 submitters: Uncertain significance (2). Last evaluated 2025-06-07.

Conditions:
Inborn genetic diseases. Identifiers: MedGen C0950123, MeSH D030342.

Allele frequency attached by ClinVar (database versions not stated): gnomAD exomes below 0.00001; ExAC 0.00001.
gnomAD v4.1: 5 of 1,614,066 alleles (0.00031%); highest among the groups gnomAD compares: Admixed American, 0.0017%; no homozygotes.

Submissions (2):

Ambry Genetics
Classification: Uncertain significance for Inborn genetic diseases. Last evaluated: 2025-06-07. Review status: criteria provided, single submitter. Criteria: Ambry Variant Classification Scheme 2023. Collection method: clinical testing. Allele origin: germline.

Labcorp Genetics (formerly Invitae), Labcorp
Classification: Uncertain significance. Last evaluated: 2024-02-24. Review status: criteria provided, single submitter. Criteria: Invitae Variant Classification Sherloc (09022015). Collection method: clinical testing. Allele origin: germline.
Comment: This sequence change replaces arginine, which is basic and polar, with tryptophan, which is neutral and slightly polar, at codon 90 of the TNFAIP3 protein (p.Arg90Trp). This variant is not present in population databases (gnomAD no frequency). This variant has not been reported in the literature in individuals affected with TNFAIP3-related conditions. ClinVar contains an entry for this variant (Variation ID: 1423360). Advanced modeling of protein sequence and biophysical properties (such as structural, functional, and spatial information, amino acid conservation, physicochemical variation, residue mobility, and thermodynamic stability) performed at Invitae indicates that this missense variant is not expected to disrupt TNFAIP3 protein function with a negative predictive value of 80%. In summary, the available evidence is currently insufficient to determine the role of this variant in disease. Therefore, it has been classified as a Variant of Uncertain Significance.

NM_001270508.2(TNFAIP3):c.268C>T (p.Arg90Trp)

Gene: TNFAIP3 (TNF alpha induced protein 3; plus strand). Cytogenetic location: 6q23.3.
Variant type: single nucleotide variant.
Coding change: c.268C>T on transcript NM_001270508.2 (MANE Select); coding-DNA position 268, C replaced by T.
Protein change: p.Arg90Trp; replaces arginine 90 with tryptophan.
Molecular consequence: missense variant.
Genome position (GRCh38, 1-based): chr6:137,871,495, C>T. VCF-style: chr6-137871495-C-T. GRCh37 (hg19) VCF-style: chr6-138192632-C-T.
Other names: c.268C>T, p.Arg90Trp (NM_001270507.2, NM_006290.4); c.268C>T (NM_006290.2); short protein forms R90W.
Identifiers: ClinVar variation 1423360 (VCV001423360.7), dbSNP rs747030410, ClinGen allele CA4019372.